The following is an entry in ClinVar:

NM_001845.6(COL4A1):c.2985A>G (p.Pro995=)

Gene: COL4A1 (collagen type IV alpha 1 chain; minus strand). Cytogenetic location: 13q34.
Variant type: single nucleotide variant.
Coding change: c.2985A>G on transcript NM_001845.6 (MANE Select); coding-DNA position 2985, A replaced by G.
Protein change: p.Pro995=; no amino-acid change (proline 995 retained).
Molecular consequence: synonymous variant.
Genome position (GRCh38, 1-based): chr13:110,176,497, T>C on the plus strand (A>G on the coding strand, the complement: COL4A1 is on the minus strand). VCF-style: chr13-110176497-T-C. GRCh37 (hg19) VCF-style: chr13-110828844-T-C.
Identifiers: ClinVar variation 882119 (VCV000882119.30), dbSNP rs200504781, ClinGen allele CA7047414.

ClinVar aggregate classification (germline): Likely benign. Review status: criteria provided, multiple submitters, no conflicts (2 of 4 stars). 4 submissions from 3 submitters: Likely benign (4). Last evaluated 2025-12-30.

Conditions:
Brain small vessel disease 1 with or without ocular anomalies (BSVD1). Also called: PORENCEPHALY, TYPE 1, AUTOSOMAL DOMINANT; BRAIN SMALL VESSEL DISEASE WITH HEMORRHAGE; GOULD SYNDROME 1; Brain small vessel disease with or without ocular anomalies. Identifiers: Orphanet 2940, Orphanet 36383, Orphanet 99810, MedGen C4755307, MONDO:0008289, OMIM 175780.
Autosomal dominant familial hematuria-retinal arteriolar tortuosity-contractures syndrome. Also called: Angiopathy, hereditary, with nephropathy, aneurysms, and muscle cramps; Hereditary Angiopathy with Nephropathy, Aneurysms, and Muscle Cramps (HANAC) Syndrome. Identifiers: Orphanet 73229, MedGen C2673195, MONDO:0012726, OMIM 611773.

Allele frequency attached by ClinVar (database versions not stated): gnomAD 0.00001; gnomAD exomes 0.00001 and 0.00002; TOPMed 0.00001; ExAC 0.00002.
gnomAD v4.1: 16 of 1,613,460 alleles (0.00099%); highest among the groups gnomAD compares: Non-Finnish European, 0.0013%; no homozygotes.

Submissions (4):

Labcorp Genetics (formerly Invitae), Labcorp
Classification: Likely benign. Last evaluated: 2025-12-30. Review status: criteria provided, single submitter. Criteria: Invitae Variant Classification Sherloc (09022015). Collection method: clinical testing. Allele origin: germline.

CeGaT Center for Human Genetics Tuebingen
Classification: Likely benign. Last evaluated: 2023-11-01. Review status: criteria provided, single submitter. Criteria: CeGaT Center For Human Genetics Tuebingen Variant Classification Criteria Version 2. Collection method: clinical testing. Allele origin: germline. Affected: yes. Observed: 1 variant allele.
Comment: COL4A1: BP4, BP7

Illumina Laboratory Services, Illumina
Classification: Likely benign for Brain small vessel disease 1 with or without ocular anomalies. Last evaluated: 2018-01-13. Review status: criteria provided, single submitter. Criteria: ICSL Variant Classification Criteria 13 December 2019. Collection method: clinical testing. Allele origin: germline.
Comment: This variant was observed in the ICSL laboratory as part of a predisposition screen in an ostensibly healthy population. It had not been previously curated by ICSL or reported in the Human Gene Mutation Database (HGMD: prior to June 1st, 2018), and was therefore a candidate for classification through an automated scoring system. Utilizing variant allele frequency, disease prevalence and penetrance estimates, and inheritance mode, an automated score was calculated to assess if this variant is too frequent to cause the disease. Based on the score and internal cut-off values, a variant classified as likely benign is not then subjected to further curation. The score for this variant resulted in a classification of likely benign for this disease.

Illumina Laboratory Services, Illumina
Classification: Likely benign for Autosomal dominant familial hematuria-retinal arteriolar tortuosity-contractures syndrome. Last evaluated: 2018-01-13. Review status: criteria provided, single submitter. Criteria: ICSL Variant Classification Criteria 13 December 2019. Collection method: clinical testing. Allele origin: germline.
Comment: the same text as in the submission from Illumina Laboratory Services, Illumina above.